The following is an entry in ClinVar:

NM_005204.4(MAP3K8):c.597G>C (p.Trp199Cys)

Gene: MAP3K8 (mitogen-activated protein kinase kinase kinase 8; plus strand). Cytogenetic location: 10p11.23.
Variant type: single nucleotide variant.
Coding change: c.597G>C on transcript NM_005204.4 (MANE Select); coding-DNA position 597, G replaced by C.
Protein change: p.Trp199Cys; replaces tryptophan 199 with cysteine.
Molecular consequence: missense variant.
Genome position (GRCh38, 1-based): chr10:30,450,350, G>C. VCF-style: chr10-30450350-G-C. GRCh37 (hg19) VCF-style: chr10-30739279-G-C.
Other names: c.597G>C, p.Trp199Cys (NM_001244134.1, NM_001320961.2); c.597G>C (NM_005204.3); short protein forms W199C.
Identifiers: ClinVar variation 3011616 (VCV003011616.4), dbSNP rs771973010, ClinGen allele CA5459703.
Genomic context (GRCh38, chr10:30,450,350, plus strand): 5'-GGAAATCCAGGCTTGCTTCCGGCACGAGAACATCGCAGAGCTGTATGGCGCAGTCCTGTG[G>C]GGTGAAACTGTCCATCTCTTTATGGAAGCAGGCGAGGGAGGGTCTGTTCTGGAGAAACTG-3'
Protein context (NP_005195.2, residues 189-209): NIAELYGAVL[Trp199Cys]GETVHLFMEA

ClinVar aggregate classification (germline): Uncertain significance. Review status: criteria provided, multiple submitters, no conflicts (2 of 4 stars). 2 submissions from 2 submitters: Uncertain significance (2). Last evaluated 2025-11-02.

Allele frequency attached by ClinVar (database versions not stated): gnomAD exomes below 0.00001; gnomAD 0.00001; ExAC 0.00002.
gnomAD v4.1: 5 of 1,613,998 alleles (0.00031%); highest among the groups gnomAD compares: Non-Finnish European, 0.00042%; no homozygotes.

Submissions (2):

Ambry Genetics
Classification: Uncertain significance. Last evaluated: 2025-11-02. Review status: criteria provided, single submitter. Criteria: Ambry Variant Classification Scheme 2023. Collection method: clinical testing. Allele origin: germline.

Labcorp Genetics (formerly Invitae), Labcorp
Classification: Uncertain significance. Last evaluated: 2023-12-18. Review status: criteria provided, single submitter. Criteria: Invitae Variant Classification Sherloc (09022015). Collection method: clinical testing. Allele origin: germline.
Comment: This sequence change replaces tryptophan, which is neutral and slightly polar, with cysteine, which is neutral and slightly polar, at codon 199 of the MAP3K8 protein (p.Trp199Cys). This variant is present in population databases (rs771973010, gnomAD 0.004%). This variant has not been reported in the literature in individuals affected with MAP3K8-related conditions. An algorithm developed to predict the effect of missense changes on protein structure and function (PolyPhen-2) suggests that this variant is likely to be tolerated. In summary, the available evidence is currently insufficient to determine the role of this variant in disease. Therefore, it has been classified as a Variant of Uncertain Significance.